The following is an entry in ClinVar:

NM_001385012.1(NBEA):c.3391A>G (p.Thr1131Ala)

Gene: NBEA (neurobeachin; plus strand). Cytogenetic location: 13q13.3.
Variant type: single nucleotide variant.
Coding change: c.3391A>G on transcript NM_001385012.1 (MANE Select); coding-DNA position 3391, A replaced by G.
Protein change: p.Thr1131Ala; replaces threonine 1131 with alanine.
Molecular consequence: missense variant.
Genome position (GRCh38, 1-based): chr13:35,159,562, A>G. VCF-style: chr13-35159562-A-G. GRCh37 (hg19) VCF-style: chr13-35733699-A-G.
Other names: c.3391A>G, p.Thr1131Ala (NM_001379245.1, NM_015678.5); short protein forms T1131A.
Identifiers: ClinVar variation 985930 (VCV000985930.4), dbSNP rs2069410292, ClinGen allele CA387837677.

ClinVar aggregate classification (germline): Uncertain significance (1 of 4 stars; one submission).

Conditions:
Inborn genetic diseases. Identifiers: MedGen C0950123, MeSH D030342.

Submission:

Ambry Genetics
Classification: Uncertain significance for Inborn genetic diseases. Last evaluated: 2020-04-30. Review status: criteria provided, single submitter. Criteria: Ambry Variant Classification Scheme 2023. Collection method: clinical testing. Allele origin: germline.
Comment: The alteration results in an amino acid change:_x000D_ _x000D_ The c.3391A>G (p.T1131A) alteration is located in coding exon 22 of the NBEA gene. This alteration results from an A to G substitution at nucleotide position 3391, causing the threonine (T) at amino acid position 1131 to be replaced by an alanine (A). The alteration is not observed in population databases:_x000D_ _x000D_ Based on data from the Genome Aggregation Database (gnomAD), the NBEA c.3391A>G alteration was not observed, with coverage at this position. The altered amino acid is conserved throughout evolution:_x000D_ _x000D_ The p.T1131 amino acid is conserved in available vertebrate species. The alteration is predicted tolerated by in silico modeling:_x000D_ _x000D_ The p.T1131A alteration is predicted to be tolerated by in silico analysis. Based on insufficient or conflicting evidence, the clinical significance of this alteration remains unclear.